The following is an entry in ClinVar:

ClinVar aggregate classification (germline): Uncertain significance (1 of 4 stars; one submission).

Conditions:
Kabuki syndrome. Also called: NIIKAWA-KUROKI SYNDROME; Kabuki make-up syndrome. Identifiers: Orphanet 2322, MedGen C0796004, MONDO:0016512.

Submission:

Labcorp Genetics (formerly Invitae), Labcorp
Classification: Uncertain significance for Kabuki syndrome. Last evaluated: 2025-10-23. Review status: criteria provided, single submitter. Criteria: Invitae Variant Classification Sherloc (09022015). Collection method: clinical testing. Allele origin: germline.
Comment: This sequence change replaces aspartic acid, which is acidic and polar, with alanine, which is neutral and non-polar, at codon 2140 of the KMT2D protein (p.Asp2140Ala). This variant is not present in population databases (gnomAD no frequency). This variant has not been reported in the literature in individuals affected with KMT2D-related conditions. ClinVar contains an entry for this variant (Variation ID: 3631066). Invitae Evidence Modeling of protein sequence and biophysical properties (such as structural, functional, and spatial information, amino acid conservation, physicochemical variation, residue mobility, and thermodynamic stability) indicates that this missense variant is not expected to disrupt KMT2D protein function with a negative predictive value of 95%. In summary, the available evidence is currently insufficient to determine the role of this variant in disease. Therefore, it has been classified as a Variant of Uncertain Significance.

NM_003482.4(KMT2D):c.6419A>C (p.Asp2140Ala)

Gene: KMT2D (lysine methyltransferase 2D; minus strand). Cytogenetic location: 12q13.12.
Variant type: single nucleotide variant.
Coding change: c.6419A>C on transcript NM_003482.4 (MANE Select); coding-DNA position 6419, A replaced by C.
Protein change: p.Asp2140Ala; replaces aspartic acid 2140 with alanine.
Molecular consequence: missense variant.
Genome position (GRCh38, 1-based): chr12:49,041,351, T>G on the plus strand (A>C on the coding strand, the complement: KMT2D is on the minus strand). VCF-style: chr12-49041351-T-G. GRCh37 (hg19) VCF-style: chr12-49435134-T-G.
Other names: short protein forms D2140A.
Identifiers: ClinVar variation 3631066 (VCV003631066.2).
Genomic context (GRCh38, chr12:49,041,351, plus strand): 5'-AAGAGCTCACCAGGCGAGTCAGGGCCAGGCACCGAGCCCGCCGGCGGCTTCAGGAACCCG[T>G]CCGCAGAGGTAGACAAGCCGGCGGGGGTAGTGGGGCTGCCAATGAAAATGGTGGGGGCAG-3'
Protein context (NP_003473.3, residues 2130-2150): TTPAGLSTSA[Asp2140Ala]GFLKPPAGSV